The following is an entry in ClinVar:

NM_001258419.2(LRRC4C):c.873T>A (p.His291Gln)

Gene: LRRC4C (leucine rich repeat containing 4C; minus strand). Cytogenetic location: 11p12.
Variant type: single nucleotide variant.
Coding change: c.873T>A on transcript NM_001258419.2 (MANE Select); coding-DNA position 873, T replaced by A.
Protein change: p.His291Gln; replaces histidine 291 with glutamine.
Molecular consequence: missense variant. On other transcripts: non-coding transcript variant (2).
Genome position (GRCh38, 1-based): chr11:40,115,420, A>T on the plus strand (T>A on the coding strand, the complement: LRRC4C is on the minus strand). VCF-style: chr11-40115420-A-T. GRCh37 (hg19) VCF-style: chr11-40136970-A-T.
Other names: c.873T>A, p.His291Gln (NM_020929.3); short protein forms H291Q.
Identifiers: ClinVar variation 2632963 (VCV002632963.1), dbSNP rs1855356004, ClinGen allele CA380406865.

ClinVar aggregate classification (germline): Uncertain significance (1 of 4 stars; one submission).

Conditions:
LRRC4C-related disorder. Also called: LRRC4C-related condition.

Allele frequency attached by ClinVar (database versions not stated): TOPMed below 0.00001.

Submission:

PreventionGenetics, part of Exact Sciences
Classification: Uncertain significance for LRRC4C-related condition. Last evaluated: 2023-05-31. Review status: criteria provided, single submitter. Criteria: ACMG Guidelines, 2015. Collection method: clinical testing. Allele origin: germline.
Comment: The LRRC4C c.873T>A variant is predicted to result in the amino acid substitution p.His291Gln. To our knowledge, this variant has not been reported in the literature or in a large population database, indicating this variant is rare. At this time, the clinical significance of this variant is uncertain due to the absence of conclusive functional and genetic evidence.